The following is an entry in ClinVar:

NM_005422.4(TECTA):c.2809C>T (p.Arg937Cys)

Genes: TBCEL-TECTA (TBCEL-TECTA readthrough; plus strand), TECTA (tectorin alpha; plus strand), LOC126861365 (P300/CBP strongly-dependent group 1 enhancer GRCh37_chr11:121000154-121001353; plus strand). Cytogenetic location: 11q23.3.
Variant type: single nucleotide variant.
Coding change: c.2809C>T on transcript NM_005422.4 (MANE Select); coding-DNA position 2809, C replaced by T.
Protein change: p.Arg937Cys; replaces arginine 937 with cysteine.
Molecular consequence: missense variant.
Genome position (GRCh38, 1-based): chr11:121,130,079, C>T. VCF-style: chr11-121130079-C-T. GRCh37 (hg19) VCF-style: chr11-121000788-C-T.
Other names: c.3766C>T, p.Arg1256Cys (NM_001378761.1); short protein forms R937C, R1256C.
Identifiers: ClinVar variation 2243361 (VCV002243361.3), dbSNP rs749859800, ClinGen allele CA6327071.
Genomic context (GRCh38, chr11:121,130,079, plus strand): 5'-GACCCCTCCAACAGCTCCTTCCTGGAGTGCCATGGGGTGGTGAACGTCACTGCCTATTAC[C>T]GCACCTGCCTTTTCCGCCTGTGCCAGAGTGGGGGCAATGAGTCAGAGCTCTGTGACTCTG-3'
Protein context (NP_005413.2, residues 927-947): HGVVNVTAYY[Arg937Cys]TCLFRLCQSG

ClinVar aggregate classification (germline): Uncertain significance. Review status: criteria provided, multiple submitters, no conflicts (2 of 4 stars). 2 submissions from 2 submitters: Uncertain significance (2). Last evaluated 2025-07-25.

Conditions:
Inborn genetic diseases. Identifiers: MedGen C0950123, MeSH D030342.

Allele frequency attached by ClinVar (database versions not stated): gnomAD exomes 0.00001; ExAC 0.00003; gnomAD 0.00003; TOPMed 0.00004.
gnomAD v4.1: 26 of 1,614,010 alleles (0.0016%); highest among the groups gnomAD compares: East Asian, 0.018%; no homozygotes.

Submissions (2):

Labcorp Genetics (formerly Invitae), Labcorp
Classification: Uncertain significance. Last evaluated: 2025-07-25. Review status: criteria provided, single submitter. Criteria: Invitae Variant Classification Sherloc (09022015). Collection method: clinical testing. Allele origin: germline.
Comment: This sequence change replaces arginine, which is basic and polar, with cysteine, which is neutral and slightly polar, at codon 937 of the TECTA protein (p.Arg937Cys). This variant is present in population databases (rs749859800, gnomAD 0.03%). This variant has not been reported in the literature in individuals affected with TECTA-related conditions. ClinVar contains an entry for this variant (Variation ID: 2243361). Invitae Evidence Modeling of protein sequence and biophysical properties (such as structural, functional, and spatial information, amino acid conservation, physicochemical variation, residue mobility, and thermodynamic stability) has been performed for this missense variant. However, the output from this modeling did not meet the statistical confidence thresholds required to predict the impact of this variant on TECTA protein function. In summary, the available evidence is currently insufficient to determine the role of this variant in disease. Therefore, it has been classified as a Variant of Uncertain Significance.

Ambry Genetics
Classification: Uncertain significance for Inborn genetic diseases. Last evaluated: 2021-08-12. Review status: criteria provided, single submitter. Criteria: Ambry Variant Classification Scheme 2023. Collection method: clinical testing. Allele origin: germline.